The following is an entry in ClinVar:

ClinVar aggregate classification (germline): Benign/Likely benign. Review status: criteria provided, multiple submitters, no conflicts (2 of 4 stars). 2 submissions from 2 submitters: Benign (1); Likely benign (1). Last evaluated 2026-09-01.

Allele frequency attached by ClinVar (database versions not stated): 1000 Genomes Project 30x 0.00312; TOPMed 0.00785; gnomAD 0.00842 and 0.00826; 1000 Genomes Project 0.00319.
gnomAD v4.1: 1,260 of 152,356 alleles (0.83%); highest among the groups gnomAD compares: Non-Finnish European, 1.3%; 7 homozygotes.

Submissions (2):

CeGaT Center for Human Genetics Tuebingen
Classification: Benign. Last evaluated: 2026-09-01. Review status: criteria provided, single submitter. Criteria: CeGaT Center For Human Genetics Tuebingen Variant Classification Criteria Version 2. Collection method: clinical testing. Allele origin: germline. Affected: yes. Observed: 47 variant alleles.
Comment: ATM: BS1, BS2

GeneDx
Classification: Likely benign. Last evaluated: 2018-06-15. Review status: criteria provided, single submitter. Criteria: GeneDx Variant Classification (06012015). Collection method: clinical testing. Allele origin: germline. Affected: yes.
Comment: This variant is considered likely benign or benign based on one or more of the following criteria: it is a conservative change, it occurs at a poorly conserved position in the protein, it is predicted to be benign by multiple in silico algorithms, and/or has population frequency not consistent with disease.

NM_000051.4(ATM):c.6348-252T>C

Genes: ATM (ATM serine/threonine kinase; plus strand), C11orf65 (chromosome 11 open reading frame 65; minus strand). Cytogenetic location: 11q22.3.
Variant type: single nucleotide variant.
Coding change: c.6348-252T>C on transcript NM_000051.4 (MANE Select); 252 bases into the intron before coding-DNA position 6348, T replaced by C.
Molecular consequence: intron variant.
Genome position (GRCh38, 1-based): chr11:108,319,702, T>C. VCF-style: chr11-108319702-T-C. GRCh37 (hg19) VCF-style: chr11-108190429-T-C.
Other names: c.6348-252T>C (NM_001351834.2); c.641-10631A>G (NM_001330368.2); c.*39-10631A>G (NM_001351110.2).
Identifiers: ClinVar variation 679733 (VCV000679733.11), dbSNP rs150757527, ClinGen allele CA228405478.
Genomic context (GRCh38, chr11:108,319,702, plus strand): 5'-TGATCTGACTTGTCCACTTGTGAATTCCCCTTGTGCCTAGTGCCTGGCACATAATAGGTA[T>C]TTATTGAATAAATAAATGAAAGTAGAGCATATTTAGAACCAGGCAGAGTATCTGAGTAAT-3'